The following is an entry in ClinVar:

NM_001077653.2(TBX20):c.928G>A (p.Ala310Thr)

Gene: TBX20 (T-box transcription factor 20; minus strand). Cytogenetic location: 7p14.2.
Variant type: single nucleotide variant.
Coding change: c.928G>A on transcript NM_001077653.2 (MANE Select); coding-DNA position 928, G replaced by A.
Protein change: p.Ala310Thr; replaces alanine 310 with threonine.
Molecular consequence: missense variant.
Genome position (GRCh38, 1-based): chr7:35,204,545, C>T on the plus strand (G>A on the coding strand, the complement: TBX20 is on the minus strand). VCF-style: chr7-35204545-C-T. GRCh37 (hg19) VCF-style: chr7-35244157-C-T.
Other names: short protein forms A310T.
Identifiers: ClinVar variation 1766443 (VCV001766443.6), dbSNP rs775738456, ClinGen allele CA4217388.

ClinVar aggregate classification (germline): Uncertain significance. Review status: criteria provided, multiple submitters, no conflicts (2 of 4 stars). 2 submissions from 2 submitters: Uncertain significance (2). Last evaluated 2025-12-12.

Conditions:
Cardiovascular phenotype. Identifiers: MedGen CN230736.

Allele frequency attached by ClinVar (database versions not stated): gnomAD 0.00001; ExAC 0.00001; TOPMed 0.00003; gnomAD exomes below 0.00001.

Submissions (2):

Labcorp Genetics (formerly Invitae), Labcorp
Classification: Uncertain significance. Last evaluated: 2025-12-12. Review status: criteria provided, single submitter. Criteria: Invitae Variant Classification Sherloc (09022015). Collection method: clinical testing. Allele origin: germline.
Comment: This sequence change replaces alanine, which is neutral and non-polar, with threonine, which is neutral and polar, at codon 310 of the TBX20 protein (p.Ala310Thr). This variant is present in population databases (rs775738456, gnomAD 0.007%). This variant has not been reported in the literature in individuals affected with TBX20-related conditions. ClinVar contains an entry for this variant (Variation ID: 1766443). Invitae Evidence Modeling of protein sequence and biophysical properties (such as structural, functional, and spatial information, amino acid conservation, physicochemical variation, residue mobility, and thermodynamic stability) indicates that this missense variant is not expected to disrupt TBX20 protein function with a negative predictive value of 80%. In summary, the available evidence is currently insufficient to determine the role of this variant in disease. Therefore, it has been classified as a Variant of Uncertain Significance.

Ambry Genetics
Classification: Uncertain significance for Cardiovascular phenotype. Last evaluated: 2025-06-10. Review status: criteria provided, single submitter. Criteria: Ambry Variant Classification Scheme 2023. Collection method: clinical testing. Allele origin: germline.
Comment: The p.A310T variant (also known as c.928G>A), located in coding exon 7 of the TBX20 gene, results from a G to A substitution at nucleotide position 928. The alanine at codon 310 is replaced by threonine, an amino acid with similar properties. This amino acid position is highly conserved in available vertebrate species. In addition, the in silico prediction for this alteration is inconclusive. Since supporting evidence is limited at this time, the clinical significance of this alteration remains unclear.